The following is an entry in ClinVar:

NC_012920.1(MT-TR):m.10460T>C

Gene: MT-TR (mitochondrially encoded tRNA arginine; plus strand).
Variant type: single nucleotide variant.
Genome position: chrM-10460-T-C.
Identifiers: ClinVar variation 690126 (VCV000690126.1), dbSNP rs1603222848, ClinGen allele CA913163377.

ClinVar aggregate classification (germline): Uncertain significance. Review status: reviewed by expert panel (3 of 4 stars). 2 submissions from 2 submitters: Uncertain significance (1). 1 of the submissions does not count toward it. Last evaluated 2024-12-09.

Conditions:
Mitochondrial disease. Also called: Mitochondrial disorder; Mitochondrial disorders. Identifiers: Orphanet 68380, MedGen C0751651, MeSH D028361, MONDO:0044970.
MELAS syndrome (MELAS). Also called: Juvenile myopathy, encephalopathy, lactic acidosis, stroke. Identifiers: Orphanet 550, MedGen C0162671, MONDO:0010789, OMIM 540000.

Submissions (2):

ClinGen Mitochondrial Disease Nuclear and Mitochondrial  Variant Curation Expert Panel, ClinGen
Classification: Uncertain significance for Mitochondrial disease. Last evaluated: 2024-12-09. Review status: reviewed by expert panel. Criteria: clingen mito disease acmg specifications v1-1. Collection method: curation. Allele origin: germline. Inheritance: Mitochondrial inheritance.
Comment: The m.10460T>C variant in MT-TR has been reported in one individual with primary mitochondrial disease to date (PMID: 31965079) however clinical details were not provided. No information was provided on family member affected status or testing. This variant is absent in the GenBank dataset, Helix dataset, and gnomAD v3.1.2 (PM2_supporting). In silico predictors are conflicting as the computational predictor MitoTIP suggests this variant is possibly pathogenic (72 percentile) but HmtVAR predicts it to be likely benign with a score of 0.05. There are no cybrids, single fiber studies, or other functional assays reported on this variant. In summary, this variant meets criteria to be classified as uncertain significance for primary mitochondrial disease inherited in a mitochondrial manner. This classification was approved by the NICHD/NINDS U24 ClinGen Mitochondrial Disease Variant Curation Expert Panel on December 9, 2024. Mitochondrial DNA-specific ACMG/AMP criteria applied (PMID: 32906214): PM2_supporting.

Wong Mito Lab, Molecular and Human Genetics, Baylor College of Medicine
Classification: Likely pathogenic for MELAS syndrome. Last evaluated: 2019-07-12. Review status: criteria provided, single submitter. Criteria: Modified ACMG Guidelines (Unpublished). Collection method: clinical testing. Allele origin: germline. Not counted in ClinVar's aggregate classification.
Comment: The NC_012920.1:m.10460T>C variant in MT-TR gene is interpreted to be a Likely Pathogenic variant based on the modified ACMG guidelines (unpublished). This variant meets the following evidence codes reported in the guidelines: PM2, PM9, PP3, PP4

Literature cited by the submitters: PubMed 31965079 (cited by Wong Mito Lab, Molecular and Human Genetics, Baylor College of Medicine).